The following is an entry in ClinVar:

ClinVar aggregate classification (germline): Conflicting classifications of pathogenicity. Review status: criteria provided, conflicting classifications (1 of 4 stars). 7 submissions from 7 submitters: Uncertain significance (3); Likely benign (3). 1 of the submissions does not count toward it. Last evaluated 2026-01-28.

Conditions:
Inborn genetic diseases. Identifiers: MedGen C0950123, MeSH D030342.
SLC46A1-related disorder. Also called: SLC46A1-related condition.
Congenital defect of folate absorption. Also called: Hereditary Folate Malabsorption. Identifiers: Orphanet 90045, MedGen C0342705, MONDO:0009238, OMIM 229050.

Allele frequency attached by ClinVar (database versions not stated): gnomAD exomes 0.00018; ExAC 0.00030; ESP Exome Variant Server 0.00057; TOPMed 0.00094; gnomAD 0.00096 and 0.00102; 1000 Genomes Project 0.00120; 1000 Genomes Project 30x 0.00141.
gnomAD v4.1: 262 of 1,562,520 alleles (0.017%); highest among the groups gnomAD compares: African/African-American, 0.33%; no homozygotes.

Submissions (7):

Labcorp Genetics (formerly Invitae), Labcorp
Classification: Likely benign. Last evaluated: 2026-01-28. Review status: criteria provided, single submitter. Criteria: Invitae Variant Classification Sherloc (09022015). Collection method: clinical testing. Allele origin: germline.

Women's Health and Genetics/Laboratory Corporation of America, LabCorp
Classification: Likely benign. Last evaluated: 2025-12-17. Review status: criteria provided, single submitter. Criteria: LabCorp Variant Classification Summary - May 2015. Collection method: clinical testing. Allele origin: germline.
Comment: Variant summary: SLC46A1 c.22C>T (p.Pro8Ser) results in a non-conservative amino acid change in the encoded protein sequence. Algorithms developed to predict the effect of missense changes on protein structure and function are either unavailable or do not agree on the potential impact of this missense change. The variant allele was found at a frequency of 0.00018 in 158632 control chromosomes, predominantly at a frequency of 0.0037 within the African or African-American subpopulation in the gnomAD database. The observed variant frequency within African or African-American control individuals in the gnomAD database exceeds the estimated maximal expected allele frequency for disease-causing variants in SLC46A1. To our knowledge, no occurrence of c.22C>T in individuals affected with SLC46A1-related conditions and no experimental evidence demonstrating its impact on protein function have been reported. ClinVar contains an entry for this variant (Variation ID: 193480). Based on the evidence outlined above, the variant was classified as likely benign.

Clinical Genomic Analysis (GENYSIS) Core, University of North Carolina at Chapel Hill
Classification: Uncertain significance for Congenital defect of folate absorption. Last evaluated: 2024-01-22. Review status: criteria provided, single submitter. Criteria: ACMG Guidelines, 2015. Collection method: research. Allele origin: paternal. Observed: 1 compound heterozygote. Study: UNC Genetic Determinants of Neurological and Developmental Disorders (GDNDD) Study.
Comment: SLC46A1 c.22C>T, p.(Pro8Ser), is a missense variant that changes a single amino acid from a proline to a serine. This variant is present at a maximum population allele frequency of 0.33% (236/72428 alleles, no homozygotes) in the gnomADv4.0 population database and reported with conflicting interpretations (uncertain significance, likely benign) in ClinVar. Multiple in silico models predict that the c.22C>T variant has no impact on the gene or protein product. Given the available evidence, this variant is classified as a variant of uncertain significance.

Ambry Genetics
Classification: Likely benign for Inborn genetic diseases. Last evaluated: 2023-03-07. Review status: criteria provided, single submitter. Criteria: Ambry Variant Classification Scheme 2023. Collection method: clinical testing. Allele origin: germline.

Illumina Laboratory Services, Illumina
Classification: Uncertain significance for Congenital defect of folate absorption. Last evaluated: 2018-01-12. Review status: criteria provided, single submitter. Criteria: ICSL Variant Classification Criteria 13 December 2019. Collection method: clinical testing. Allele origin: germline.

Eurofins Ntd Llc (ga)
Classification: Uncertain significance. Last evaluated: 2015-05-22. Review status: criteria provided, single submitter. Criteria: EGL Classification Definitions 2015. Collection method: clinical testing. Allele origin: germline. Observed: 2 variant alleles, 2 heterozygotes.

PreventionGenetics, part of Exact Sciences
Classification: Likely benign for SLC46A1-related condition. Last evaluated: 2022-02-15. Review status: no assertion criteria provided. Collection method: clinical testing. Allele origin: germline. Not counted in ClinVar's aggregate classification.
Comment: This variant is classified as likely benign based on ACMG/AMP sequence variant interpretation guidelines (Richards et al. 2015 PMID: 25741868, with internal and published modifications).

NM_080669.6(SLC46A1):c.22C>T (p.Pro8Ser)

Genes: SLC46A1 (solute carrier family 46 member 1; minus strand), LOC130060550 (ATAC-STARR-seq lymphoblastoid silent region 8340; plus strand). Cytogenetic location: 17q11.2.
Variant type: single nucleotide variant.
Coding change: c.22C>T on transcript NM_080669.6 (MANE Select); coding-DNA position 22, C replaced by T.
Protein change: p.Pro8Ser; replaces proline 8 with serine.
Molecular consequence: missense variant.
Genome position (GRCh38, 1-based): chr17:28,406,093, G>A on the plus strand (C>T on the coding strand, the complement: SLC46A1 is on the minus strand). VCF-style: chr17-28406093-G-A. GRCh37 (hg19) VCF-style: chr17-26733111-G-A.
Other names: c.22C>T (NM_080669.5); c.22C>T, p.Pro8Ser (NM_001242366.3); short protein forms P8S.
Identifiers: ClinVar variation 193480 (VCV000193480.23), dbSNP rs41297065, ClinGen allele CA026503.